The following is an entry in ClinVar:

ClinVar aggregate classification (germline): Likely benign. Review status: criteria provided, single submitter (1 of 4 stars). 2 submissions from 2 submitters: Likely benign (1). 1 of the submissions does not count toward it. Last evaluated 2018-05-07.

Conditions:
GEMIN4-related disorder. Also called: GEMIN4-related condition.

Allele frequency attached by ClinVar (database versions not stated): gnomAD exomes 0.00003 and 0.00006; ExAC 0.00008; ESP Exome Variant Server 0.00008; TOPMed 0.00015; gnomAD 0.00016 and 0.00017.
gnomAD v4.1: 64 of 1,613,706 alleles (0.004%); highest among the groups gnomAD compares: African/African-American, 0.048%; no homozygotes.

Submissions (2):

Labcorp Genetics (formerly Invitae), Labcorp
Classification: Likely benign. Last evaluated: 2018-05-07. Review status: criteria provided, single submitter. Criteria: Invitae Variant Classification Sherloc (09022015). Collection method: clinical testing. Allele origin: germline.

PreventionGenetics, part of Exact Sciences
Classification: Likely benign for GEMIN4-related condition. Last evaluated: 2019-02-21. Review status: no assertion criteria provided. Collection method: clinical testing. Allele origin: germline. Not counted in ClinVar's aggregate classification.
Comment: This variant is classified as likely benign based on ACMG/AMP sequence variant interpretation guidelines (Richards et al. 2015 PMID: 25741868, with internal and published modifications).

NM_015721.3(GEMIN4):c.1671G>A (p.Pro557=)

Gene: GEMIN4 (gem nuclear organelle associated protein 4; minus strand). Cytogenetic location: 17p13.3.
Variant type: single nucleotide variant.
Coding change: c.1671G>A on transcript NM_015721.3 (MANE Select); coding-DNA position 1671, G replaced by A.
Protein change: p.Pro557=; no amino-acid change (proline 557 retained).
Molecular consequence: synonymous variant.
Genome position (GRCh38, 1-based): chr17:746,372, C>T on the plus strand (G>A on the coding strand, the complement: GEMIN4 is on the minus strand). VCF-style: chr17-746372-C-T. GRCh37 (hg19) VCF-style: chr17-649612-C-T.
Identifiers: ClinVar variation 748939 (VCV000748939.5), dbSNP rs372759771, ClinGen allele CA8262579.